The following is an entry in ClinVar:

NM_006389.5(HYOU1):c.1766C>T (p.Thr589Ile)

Gene: HYOU1 (hypoxia up-regulated 1; minus strand). Cytogenetic location: 11q23.3.
Variant type: single nucleotide variant.
Coding change: c.1766C>T on transcript NM_006389.5 (MANE Select); coding-DNA position 1766, C replaced by T.
Protein change: p.Thr589Ile; replaces threonine 589 with isoleucine.
Molecular consequence: missense variant.
Genome position (GRCh38, 1-based): chr11:119,049,596, G>A on the plus strand (C>T on the coding strand, the complement: HYOU1 is on the minus strand). VCF-style: chr11-119049596-G-A. GRCh37 (hg19) VCF-style: chr11-118920308-G-A.
Other names: c.1766C>T, p.Thr589Ile (NM_001130991.3, NM_001411041.1); short protein forms T589I.
Identifiers: ClinVar variation 1900047 (VCV001900047.5), dbSNP rs560441682, ClinGen allele CA229620360.
Genomic context (GRCh38, chr11:119,049,596, plus strand): 5'-TGGCTCCATCCTGAACTCACCTGGACAGTATCAGTACCATTCTCCTTGGCATCTGGTGTG[G>A]TACCGCCTCCAAACAGGCTGGAAATGGTGTTGCCAAGTTCTAGGGGGAGTAAAACCCAAA-3'
Protein context (NP_006380.1, residues 579-599): NTISSLFGGG[Thr589Ile]TPDAKENGTD

ClinVar aggregate classification (germline): Uncertain significance (1 of 4 stars; one submission).

Allele frequency attached by ClinVar (database versions not stated): gnomAD exomes below 0.00001; TOPMed 0.00004; gnomAD 0.00005.
gnomAD v4.1: 10 of 1,614,134 alleles (0.00062%); highest among the groups gnomAD compares: African/African-American, 0.012%; no homozygotes.

Submission:

Labcorp Genetics (formerly Invitae), Labcorp
Classification: Uncertain significance. Last evaluated: 2024-10-30. Review status: criteria provided, single submitter. Criteria: Invitae Variant Classification Sherloc (09022015). Collection method: clinical testing. Allele origin: germline.
Comment: This sequence change replaces threonine, which is neutral and polar, with isoleucine, which is neutral and non-polar, at codon 589 of the HYOU1 protein (p.Thr589Ile). The frequency data for this variant in the population databases is considered unreliable, as metrics indicate poor data quality at this position in the gnomAD database. This variant has not been reported in the literature in individuals affected with HYOU1-related conditions. ClinVar contains an entry for this variant (Variation ID: 1900047). An algorithm developed to predict the effect of missense changes on protein structure and function (PolyPhen-2) suggests that this variant is likely to be tolerated. In summary, the available evidence is currently insufficient to determine the role of this variant in disease. Therefore, it has been classified as a Variant of Uncertain Significance.